The following is an entry in ClinVar:

NM_001127222.2(CACNA1A):c.1996G>C (p.Gly666Arg)

Gene: CACNA1A (calcium voltage-gated channel subunit alpha1 A; minus strand). Cytogenetic location: 19p13.13.
Variant type: single nucleotide variant.
Coding change: c.1996G>C on transcript NM_001127222.2 (MANE Select); coding-DNA position 1996, G replaced by C.
Protein change: p.Gly666Arg; replaces glycine 666 with arginine.
Molecular consequence: missense variant.
Genome position (GRCh38, 1-based): chr19:13,303,875, C>G on the plus strand (G>C on the coding strand, the complement: CACNA1A is on the minus strand). VCF-style: chr19-13303875-C-G. GRCh37 (hg19) VCF-style: chr19-13414689-C-G.
Other names: c.1999G>C, p.Gly667Arg (NM_000068.4, NM_001127221.2, NM_001174080.2 and 1 more transcripts); short protein forms G666R, G667R.
Identifiers: ClinVar variation 1306315 (VCV001306315.2), dbSNP rs2144980934, ClinGen allele CA404344500.
Genomic context (GRCh38, chr19:13,303,875, plus strand): 5'-CGCCCTGCACGCCCCCCTGAGACTTGATCCCGTCGTACATGACCTCGTTCCAGTCTTCGC[C>G]CGTCAGGATCTGAAAGGGGAGGAAGAAACACACAGCCAACCCCCCTCTCAGCCACGGGCC-3'
Protein context (NP_001120694.1, residues 656-676): AIMTVFQILT[Gly666Arg]EDWNEVMYDG

ClinVar aggregate classification (germline): Uncertain significance (1 of 4 stars; one submission).

Submission:

GeneDx
Classification: Uncertain significance. Last evaluated: 2019-02-25. Review status: criteria provided, single submitter. Criteria: GeneDx Variant Classification Process June 2021. Collection method: clinical testing. Allele origin: germline. Affected: yes.
Comment: Not observed in large population cohorts (Lek et al., 2016); In silico analysis, which includes protein predictors and evolutionary conservation, supports a deleterious effect